The following is an entry in ClinVar:

NM_139057.4(ADAMTS17):c.22C>T (p.Pro8Ser)

Gene: ADAMTS17 (ADAM metallopeptidase with thrombospondin type 1 motif 17; minus strand). Cytogenetic location: 15q26.3.
Variant type: single nucleotide variant.
Coding change: c.22C>T on transcript NM_139057.4 (MANE Select); coding-DNA position 22, C replaced by T.
Protein change: p.Pro8Ser; replaces proline 8 with serine.
Molecular consequence: missense variant.
Genome position (GRCh38, 1-based): chr15:100,341,878, G>A on the plus strand (C>T on the coding strand, the complement: ADAMTS17 is on the minus strand). VCF-style: chr15-100341878-G-A. GRCh37 (hg19) VCF-style: chr15-100882083-G-A.
Other names: short protein forms P8S.
Identifiers: ClinVar variation 884802 (VCV000884802.18), dbSNP rs770794109, ClinGen allele CA7758780.

ClinVar aggregate classification (germline): Conflicting classifications of pathogenicity. Review status: criteria provided, conflicting classifications (1 of 4 stars). 4 submissions from 4 submitters: Uncertain significance (3); Likely benign (1). Last evaluated 2024-09-20.

Conditions:
Inborn genetic diseases. Identifiers: MedGen C0950123, MeSH D030342.
Weill-Marchesani 4 syndrome, recessive. Also called: Weill-Marchesani syndrome 4. Identifiers: Orphanet 363992, MedGen C2750787, MONDO:0013176, OMIM 613195.

Allele frequency attached by ClinVar (database versions not stated): gnomAD below 0.00001 and 0.00004; TOPMed 0.00003; ExAC 0.00038.
gnomAD v4.1: 94 of 1,551,864 alleles (0.0061%); highest among the groups gnomAD compares: South Asian, 0.086%; no homozygotes.

Submissions (4):

3billion
Classification: Likely benign for Weill-Marchesani 4 syndrome, recessive. Last evaluated: 2024-09-20. Review status: criteria provided, single submitter. Criteria: ACMG Guidelines, 2015. Collection method: clinical testing. Allele origin: germline. Affected: no.
Comment: The homozygous variant was found in patients diagnosed with another variant in a different gene, with no symptoms related to the gene containing the homozygous variant.

Labcorp Genetics (formerly Invitae), Labcorp
Classification: Uncertain significance. Last evaluated: 2024-06-17. Review status: criteria provided, single submitter. Criteria: Invitae Variant Classification Sherloc (09022015). Collection method: clinical testing. Allele origin: germline.
Comment: This sequence change replaces proline, which is neutral and non-polar, with serine, which is neutral and polar, at codon 8 of the ADAMTS17 protein (p.Pro8Ser). This variant is present in population databases (rs770794109, gnomAD 0.06%). This variant has not been reported in the literature in individuals affected with ADAMTS17-related conditions. ClinVar contains an entry for this variant (Variation ID: 884802). An algorithm developed to predict the effect of missense changes on protein structure and function (PolyPhen-2) suggests that this variant is likely to be disruptive. In summary, the available evidence is currently insufficient to determine the role of this variant in disease. Therefore, it has been classified as a Variant of Uncertain Significance.

Ambry Genetics
Classification: Uncertain significance for Inborn genetic diseases. Last evaluated: 2023-05-16. Review status: criteria provided, single submitter. Criteria: Ambry Variant Classification Scheme 2023. Collection method: clinical testing. Allele origin: germline.

Illumina Laboratory Services, Illumina
Classification: Uncertain significance for Weill-Marchesani 4 syndrome, recessive. Last evaluated: 2018-01-13. Review status: criteria provided, single submitter. Criteria: ICSL Variant Classification Criteria 13 December 2019. Collection method: clinical testing. Allele origin: germline.